The following is an entry in ClinVar:

ClinVar aggregate classification (germline): Uncertain significance (1 of 4 stars; one submission).

Conditions:
Hereditary cancer-predisposing syndrome. Also called: Tumor predisposition; Neoplastic Syndromes, Hereditary; Hereditary neoplastic syndrome; Hereditary Cancer Syndrome. Identifiers: Orphanet 140162, MedGen C0027672, MeSH D009386, MONDO:0015356.

gnomAD v4.1: 1 of 1,612,762 alleles (0.000062%); highest among the groups gnomAD compares: Non-Finnish European, 0.000085%; no homozygotes.

Submission:

Ambry Genetics
Classification: Uncertain significance for Hereditary cancer-predisposing syndrome. Last evaluated: 2024-09-26. Review status: criteria provided, single submitter. Criteria: Ambry Variant Classification Scheme 2023. Collection method: clinical testing. Allele origin: germline.
Comment: The p.L1744I variant (also known as c.5230C>A), located in coding exon 40 of the TSC2 gene, results from a C to A substitution at nucleotide position 5230. The leucine at codon 1744 is replaced by isoleucine, an amino acid with highly similar properties. This amino acid position is conserved. In addition, the in silico prediction for this alteration is inconclusive. Based on the available evidence, the clinical significance of this variant remains unclear.

NM_000548.5(TSC2):c.5230C>A (p.Leu1744Ile)

Gene: TSC2 (TSC complex subunit 2; plus strand). Cytogenetic location: 16p13.3.
Variant type: single nucleotide variant.
Coding change: c.5230C>A on transcript NM_000548.5 (MANE Select); coding-DNA position 5230, C replaced by A.
Protein change: p.Leu1744Ile; replaces leucine 1744 with isoleucine.
Molecular consequence: missense variant. On other transcripts: non-coding transcript variant (5).
Genome position (GRCh38, 1-based): chr16:2,088,296, C>A. VCF-style: chr16-2088296-C-A. GRCh37 (hg19) VCF-style: chr16-2138297-C-A.
Other names: c.5029C>A, p.Leu1677Ile (NM_001077183.3); c.4885C>A, p.Leu1629Ile (NM_001318829.2); c.4498C>A, p.Leu1500Ile (NM_001318831.2); c.5161C>A, p.Leu1721Ile (NM_001114382.3); c.5032C>A, p.Leu1678Ile (NM_001363528.2); c.5062C>A, p.Leu1688Ile (NM_001318832.2); c.5098C>A, p.Leu1700Ile (NM_001370404.1); c.4921C>A, p.Leu1641Ile (NM_001318827.2); and 27 more; short protein forms L1229I, L1252I, L1253I, L1500I, L1520I, L1641I, L1678I, L1230I.
Identifiers: ClinVar variation 3462538 (VCV003462538.1).